The following is an entry in ClinVar:

NM_001083962.2(TCF4):c.991-1del

Gene: TCF4 (transcription factor 4; minus strand). Cytogenetic location: 18q21.2.
Variant type: Deletion.
Coding change: c.991-1del on transcript NM_001083962.2 (MANE Select); the canonical splice acceptor site of the intron before coding-DNA position 991, one base deleted (G; older notation c.991-1delG).
Molecular consequence: splice acceptor variant.
Genome position (GRCh38, 1-based): chr18:55,260,028, C deleted on the plus strand (G on the coding strand, the reverse complement: TCF4 is on the minus strand). VCF-style (leftmost placement, unchanged base first): chr18-55260027-TC-T. GRCh37 (hg19) VCF-style: chr18-52927258-TC-T.
Other names: c.1297-1del (NM_001243226.3); c.916-1del (NM_001369584.1, NM_001369576.1, NM_001369585.1 and 3 more transcripts); c.919-1del (NM_001369577.1, NM_001369582.1, NM_001243227.2 and 9 more transcripts); c.991-1del (NM_001369571.1, NM_001369567.1, NM_001369572.1 and 4 more transcripts); c.1009-1del (NM_001243228.2); c.985-1del (NM_001243230.2); c.988-1del (NM_001369569.1, NM_001369573.1, NM_001369570.1); c.865-1del (NM_001243231.2, NM_001348211.2); and 4 more.
Identifiers: ClinVar variation 1068070 (VCV001068070.2), dbSNP rs2145681074, ClinGen allele CA2499225219.
Genomic context (GRCh38, chr18:55,260,027, plus strand): 5'-AGCCAACAGGAGTTGAAGGGTTTGATGAAAAGCTGTTGTTAGTGTGATCTGGAGAATAGA[TC>T]TTAAAACAATAAGGAGAAAAAAAAAACACCCTCATTCATTAAAATAATTCACACTTTTCT-3'

ClinVar aggregate classification (germline): Likely pathogenic (1 of 4 stars; one submission).

Conditions:
Pitt-Hopkins syndrome (PTHS). Also called: MENTAL RETARDATION, SYNDROMAL, WITH INTERMITTENT HYPERVENTILATION; ENCEPHALOPATHY, SEVERE EPILEPTIC, WITH AUTONOMIC DYSFUNCTION. Identifiers: Orphanet 2896, MedGen C1970431, MONDO:0012589, OMIM 610954.

Submission:

Labcorp Genetics (formerly Invitae), Labcorp
Classification: Likely pathogenic for Pitt-Hopkins syndrome. Last evaluated: 2020-07-13. Review status: criteria provided, single submitter. Criteria: Invitae Variant Classification Sherloc (09022015). Collection method: clinical testing. Allele origin: germline.
Comment: This sequence change affects an acceptor splice site in intron 12 of the TCF4 gene. It is expected to disrupt RNA splicing and likely results in an absent or disrupted protein product. This variant is not present in population databases (ExAC no frequency). This variant has not been reported in the literature in individuals with TCF4-related conditions. Algorithms developed to predict the effect of sequence changes on RNA splicing suggest that this variant may disrupt the consensus splice site, but this prediction has not been confirmed by published transcriptional studies. Donor and acceptor splice site variants typically lead to a loss of protein function (PMID: 16199547), and loss-of-function variants in TCF4 are known to be pathogenic (PMID: 18728071, 22045651). In summary, the currently available evidence indicates that the variant is pathogenic, but additional data are needed to prove that conclusively. Therefore, this variant has been classified as Likely Pathogenic.

Literature cited by the submitters: PubMed 16199547; PubMed 18728071; PubMed 22045651.